The following is an entry in ClinVar:

NM_032153.6(ZIC4):c.427C>T (p.Leu143Phe)

Gene: ZIC4 (Zic family zinc finger 4; minus strand). Cytogenetic location: 3q24.
Variant type: single nucleotide variant.
Coding change: c.427C>T on transcript NM_032153.6 (MANE Select); coding-DNA position 427, C replaced by T.
Protein change: p.Leu143Phe; replaces leucine 143 with phenylalanine.
Molecular consequence: missense variant. On other transcripts: intron variant (1).
Genome position (GRCh38, 1-based): chr3:147,396,113, G>A on the plus strand (C>T on the coding strand, the complement: ZIC4 is on the minus strand). VCF-style: chr3-147396113-G-A. GRCh37 (hg19) VCF-style: chr3-147113900-G-A.
Other names: c.577C>T, p.Leu193Phe (NM_001168378.1); c.541C>T, p.Leu181Phe (NM_001168379.2); c.71-4867C>T (NM_001243256.2); short protein forms L181F, L143F, L193F.
Identifiers: ClinVar variation 3193569 (VCV003193569.4), dbSNP rs772784599, ClinGen allele CA2656807.

ClinVar aggregate classification (germline): Uncertain significance. Review status: criteria provided, multiple submitters, no conflicts (2 of 4 stars). 2 submissions from 2 submitters: Uncertain significance (2). Last evaluated 2025-10-29.

Allele frequency attached by ClinVar (database versions not stated): TOPMed 0.00003; gnomAD 0.00006; ExAC 0.00012.
gnomAD v4.1: 114 of 1,614,178 alleles (0.0071%); highest among the groups gnomAD compares: South Asian, 0.089%; 2 homozygotes.

Submissions (2):

Ambry Genetics
Classification: Uncertain significance. Last evaluated: 2025-10-29. Review status: criteria provided, single submitter. Criteria: Ambry Variant Classification Scheme 2023. Collection method: clinical testing. Allele origin: germline.

Labcorp Genetics (formerly Invitae), Labcorp
Classification: Uncertain significance. Last evaluated: 2024-07-06. Review status: criteria provided, single submitter. Criteria: Invitae Variant Classification Sherloc (09022015). Collection method: clinical testing. Allele origin: germline.
Comment: This sequence change replaces leucine, which is neutral and non-polar, with phenylalanine, which is neutral and non-polar, at codon 193 of the ZIC4 protein (p.Leu193Phe). This variant is present in population databases (rs772784599, gnomAD 0.06%), and has an allele count higher than expected for a pathogenic variant. This variant has not been reported in the literature in individuals affected with ZIC4-related conditions. An algorithm developed to predict the effect of missense changes on protein structure and function (PolyPhen-2) suggests that this variant is likely to be tolerated. In summary, the available evidence is currently insufficient to determine the role of this variant in disease. Therefore, it has been classified as a Variant of Uncertain Significance.